The following is an entry in ClinVar:

NM_022336.4(EDAR):c.601G>A (p.Ala201Thr)

Genes: EDAR (ectodysplasin A receptor; minus strand), RANBP2 (RAN binding protein 2; plus strand). Cytogenetic location: 2q13.
Variant type: single nucleotide variant.
Coding change: c.601G>A on transcript NM_022336.4 (MANE Select); coding-DNA position 601, G replaced by A.
Protein change: p.Ala201Thr; replaces alanine 201 with threonine.
Molecular consequence: missense variant.
Genome position (GRCh38, 1-based): chr2:108,911,001, C>T on the plus strand (G>A on the coding strand, the complement: EDAR is on the minus strand). VCF-style: chr2-108911001-C-T. GRCh37 (hg19) VCF-style: chr2-109527457-C-T.
Other names: short protein forms A201T.
Identifiers: ClinVar variation 4788114 (VCV004788114.1).

ClinVar aggregate classification (germline): Uncertain significance (1 of 4 stars; one submission).

Conditions:
Autosomal recessive hypohidrotic ectodermal dysplasia syndrome. Also called: Autosomal recessive hypohidrotic ectodermal dysplasia. Identifiers: Orphanet 248, MedGen C0406702, MONDO:0016619.
Ectodermal dysplasia 10A, hypohidrotic/hair/nail type, autosomal dominant (ECTD10A). Also called: Ectodermal Dysplasia 3, Anhidrotic. Identifiers: Orphanet 1810, Orphanet 238468, MedGen C3888065, MONDO:0007509, OMIM 129490.

gnomAD v4.1: 36 of 1,614,098 alleles (0.0022%); highest among the groups gnomAD compares: Non-Finnish European, 0.0028%; no homozygotes.

Submission:

Labcorp Genetics (formerly Invitae), Labcorp
Classification: Uncertain significance for Ectodermal dysplasia 10A, hypohidrotic/hair/nail type, autosomal dominant; Autosomal recessive hypohidrotic ectodermal dysplasia syndrome. Last evaluated: 2025-09-09. Review status: criteria provided, single submitter. Criteria: Invitae Variant Classification Sherloc (09022015). Collection method: clinical testing. Allele origin: germline.
Comment: This sequence change replaces alanine, which is neutral and non-polar, with threonine, which is neutral and polar, at codon 201 of the EDAR protein (p.Ala201Thr). This variant is present in population databases (rs770292889, gnomAD 0.003%). This variant has not been reported in the literature in individuals affected with EDAR-related conditions. Invitae Evidence Modeling of protein sequence and biophysical properties (such as structural, functional, and spatial information, amino acid conservation, physicochemical variation, residue mobility, and thermodynamic stability) indicates that this missense variant is expected to disrupt EDAR protein function with a positive predictive value of 80%. In summary, the available evidence is currently insufficient to determine the role of this variant in disease. Therefore, it has been classified as a Variant of Uncertain Significance.